The following is an entry in ClinVar:

ClinVar aggregate classification (germline): Pathogenic (1 of 4 stars; one submission).

Conditions:
Familial cancer of breast. Also called: Hereditary breast cancer; hereditary breast carcinoma; BREAST CANCER, FAMILIAL. Identifiers: Orphanet 227535, MedGen C0346153, MONDO:0016419, OMIM 114480. Disease mechanism: loss of function.

Submission:

Myriad Genetics, Inc.
Classification: Pathogenic for Familial cancer of breast. Last evaluated: 2025-02-26. Review status: criteria provided, single submitter. Criteria: Myriad Autosomal Dominant, Autosomal Recessive and X-Linked Classification Criteria (2023). Collection method: clinical testing. Allele origin: unknown.
Comment: This variant is considered pathogenic. This variant creates a termination codon and is predicted to result in premature protein truncation.

NM_032043.3(BRIP1):c.1874C>G (p.Ser625Ter)

Gene: BRIP1 (BRCA1 interacting DNA helicase 1; minus strand). Cytogenetic location: 17q23.2.
Variant type: single nucleotide variant.
Coding change: c.1874C>G on transcript NM_032043.3 (MANE Select); coding-DNA position 1874, C replaced by G.
Protein change: p.Ser625Ter; replaces serine 625 with a stop codon.
Molecular consequence: nonsense.
Genome position (GRCh38, 1-based): chr17:61,780,322, G>C on the plus strand (C>G on the coding strand, the complement: BRIP1 is on the minus strand). VCF-style: chr17-61780322-G-C. GRCh37 (hg19) VCF-style: chr17-59857683-G-C.
Other names: short protein forms S625*.
Identifiers: ClinVar variation 3903782 (VCV003903782.1).